The following is an entry in ClinVar:

NM_001134363.3(RBM20):c.1276-3T>C

Gene: RBM20 (RNA binding motif protein 20; plus strand). Cytogenetic location: 10q25.2.
Variant type: single nucleotide variant.
Coding change: c.1276-3T>C on transcript NM_001134363.3 (MANE Select); 3 bases into the intron before coding-DNA position 1276, T replaced by C.
Molecular consequence: intron variant.
Genome position (GRCh38, 1-based): chr10:110,783,363, T>C. VCF-style: chr10-110783363-T-C. GRCh37 (hg19) VCF-style: chr10-112543121-T-C.
Other names: c.1276-3T>C (NM_001134363.1).
Identifiers: ClinVar variation 2736866 (VCV002736866.5), dbSNP rs1388082258, ClinGen allele CA595722983.

ClinVar aggregate classification (germline): Conflicting classifications of pathogenicity. Review status: criteria provided, conflicting classifications (1 of 4 stars). 3 submissions from 3 submitters: Uncertain significance (2); Likely benign (1). Last evaluated 2025-12-26.

Conditions:
Dilated cardiomyopathy 1DD (CMD1DD). Identifiers: Orphanet 154, MedGen C2750995, MONDO:0013168, OMIM 613172.
Cardiovascular phenotype. Identifiers: MedGen CN230736.

Allele frequency attached by ClinVar (database versions not stated): gnomAD exomes 0.00001.
gnomAD v4.1: 9 of 1,550,592 alleles (0.00058%); highest among the groups gnomAD compares: Non-Finnish European, 0.00079%; no homozygotes.

Submissions (3):

Ambry Genetics
Classification: Uncertain significance for Cardiovascular phenotype. Last evaluated: 2025-12-26. Review status: criteria provided, single submitter. Criteria: Ambry Variant Classification Scheme 2023. Collection method: clinical testing. Allele origin: germline.
Comment: The c.1276-3T>C intronic variant results from a T to C substitution 3 nucleotides upstream from coding exon 3 in the RBM20 gene. This nucleotide position is not well conserved in available vertebrate species. In silico splice site analysis predicts that this alteration will not have any significant effect on splicing. Based on the available evidence, the clinical significance of this variant remains unclear.

Labcorp Genetics (formerly Invitae), Labcorp
Classification: Uncertain significance for Dilated cardiomyopathy 1DD. Last evaluated: 2023-02-18. Review status: criteria provided, single submitter. Criteria: Invitae Variant Classification Sherloc (09022015). Collection method: clinical testing. Allele origin: germline.
Comment: This variant is present in population databases (no rsID available, gnomAD 0.002%). This variant has not been reported in the literature in individuals affected with RBM20-related conditions. Variants that disrupt the consensus splice site are a relatively common cause of aberrant splicing (PMID: 17576681, 9536098). Algorithms developed to predict the effect of sequence changes on RNA splicing suggest that this variant is not likely to affect RNA splicing. In summary, the available evidence is currently insufficient to determine the role of this variant in disease. Therefore, it has been classified as a Variant of Uncertain Significance. This sequence change falls in intron 2 of the RBM20 gene. It does not directly change the encoded amino acid sequence of the RBM20 protein. It affects a nucleotide within the consensus splice site.

Blueprint Genetics
Classification: Likely benign. Last evaluated: 2021-06-01. Review status: criteria provided, single submitter. Criteria: ACMG Guidelines, 2015. Collection method: clinical testing. Allele origin: germline.

Literature cited by the submitters: PubMed 17576681 (cited by Labcorp Genetics (formerly Invitae), Labcorp); PubMed 9536098 (cited by Labcorp Genetics (formerly Invitae), Labcorp).